The following is an entry in ClinVar:

ClinVar aggregate classification (germline): Likely pathogenic (1 of 4 stars; one submission).

Conditions:
Hearing loss, autosomal dominant 73. Also called: DEAFNESS, AUTOSOMAL DOMINANT 73. Identifiers: MedGen C4540024, MONDO:0033260, OMIM 617663.

Submission:

Laboratory of Molecular, Cellular and Translation Genetics in Otolaryngology/ Lim32-hcfmusp, University of Sao Paulo School of Medicine Clinics Hospital
Classification: Likely pathogenic for Hearing loss, autosomal dominant 73. Last evaluated: 2026-04-30. Review status: criteria provided, single submitter. Criteria: ACMG Guidelines, 2015. Collection method: research. Allele origin: germline. Affected: yes.
Comment: NM_001145026.2:c.4891G>T; p.Glu1631*. This variant has been classified as likely pathogenic. It is a nonsense (loss-of-function) variant in PTPRQ, a gene in which loss of function is an established disease mechanism (PVS1). It is absent from population databases (PM2). Overall, these findings support the causative role of this variant in the proband as described in PMID: 42233699.

Literature cited by the submitters: PubMed 42233699.

NM_001145026.2(PTPRQ):c.4891delinsTA (p.Glu1631Ter)

Gene: PTPRQ (protein tyrosine phosphatase receptor type Q; plus strand). Cytogenetic location: 12q21.31.
Variant type: Indel.
Coding change: c.4891delinsTA on transcript NM_001145026.2 (MANE Select); coding-DNA position 4891, G replaced by TA.
Protein change: p.Glu1631Ter; replaces glutamic acid 1631 with a stop codon.
Molecular consequence: nonsense.
Genome position (GRCh38, 1-based): chr12:80,610,598, G replaced by TA. VCF-style: chr12-80610598-G-TA. GRCh37 (hg19) VCF-style: chr12-81004377-G-TA.
Other names: short protein forms E1631*.
Identifiers: ClinVar variation 4852124 (VCV004852124.2).
Genomic context (GRCh38, chr12:80,610,598, plus strand): 5'-GTGATCACTGCATTTACTGGGAACATTAGTGCTGCATATGTAGAAGGGAAGTCAAGTGCT[G>TA]AAATGATTGTTACTACTTTAGAATCAGGTAAGGAGAATTTCTCAACCTTGCTAAAAATTG-3'